The following is an entry in ClinVar:

NM_020759.3(STARD9):c.12223C>A (p.Arg4075=)

Gene: STARD9 (StAR related lipid transfer domain containing 9; plus strand). Cytogenetic location: 15q15.2.
Variant type: single nucleotide variant.
Coding change: c.12223C>A on transcript NM_020759.3 (MANE Select); coding-DNA position 12223, C replaced by A.
Protein change: p.Arg4075=; no amino-acid change (arginine 4075 retained).
Molecular consequence: synonymous variant.
Genome position (GRCh38, 1-based): chr15:42,693,801, C>A. VCF-style: chr15-42693801-C-A. GRCh37 (hg19) VCF-style: chr15-42985999-C-A.
Identifiers: ClinVar variation 778489 (VCV000778489.29), dbSNP rs35842593, ClinGen allele CA7514873.

ClinVar aggregate classification (germline): Benign. Review status: criteria provided, multiple submitters, no conflicts (2 of 4 stars). 3 submissions from 3 submitters: Benign (3). Last evaluated 2023-12-01.

Allele frequency attached by ClinVar (database versions not stated): 1000 Genomes Project 30x 0.00219; 1000 Genomes Project 0.00240; ESP Exome Variant Server 0.00504; TOPMed 0.00615; gnomAD exomes 0.00621; ExAC 0.00734; gnomAD 0.01243.
gnomAD v4.1: 12,682 of 1,536,202 alleles (0.83%); highest among the groups gnomAD compares: Non-Finnish European, 0.92%; 82 homozygotes.

Submissions (3):

CeGaT Center for Human Genetics Tuebingen
Classification: Benign. Last evaluated: 2023-12-01. Review status: criteria provided, single submitter. Criteria: CeGaT Center For Human Genetics Tuebingen Variant Classification Criteria Version 2. Collection method: clinical testing. Allele origin: germline. Affected: yes. Observed: 2 variant alleles.
Comment: STARD9: BP4, BP7, BS1, BS2

Labcorp Genetics (formerly Invitae), Labcorp
Classification: Benign. Last evaluated: 2019-12-31. Review status: criteria provided, single submitter. Criteria: Invitae Variant Classification Sherloc (09022015). Collection method: clinical testing. Allele origin: germline.

Breakthrough Genomics
Classification: Benign. Review status: criteria provided, single submitter. Criteria: ACMG Guidelines, 2015. Collection method: not provided. Allele origin: germline. Inheritance: Unknown mechanism. Affected: yes.